The following is an entry in ClinVar:

ClinVar aggregate classification (germline): Conflicting classifications of pathogenicity. Review status: criteria provided, conflicting classifications (1 of 4 stars). 5 submissions from 5 submitters: Uncertain significance (3); Likely benign (1). 1 of the submissions does not count toward it. Last evaluated 2025-12-23.

Conditions:
Inborn genetic diseases. Identifiers: MedGen C0950123, MeSH D030342.
RIN2-related disorder. Also called: RIN2-related condition.

Allele frequency attached by ClinVar (database versions not stated): ESP Exome Variant Server 0.00008; TOPMed 0.00011; ExAC 0.00020.
gnomAD v4.1: 254 of 1,613,948 alleles (0.016%); highest among the groups gnomAD compares: Middle Eastern, 0.12%; 1 homozygote.

Submissions (5):

Labcorp Genetics (formerly Invitae), Labcorp
Classification: Likely benign. Last evaluated: 2025-12-23. Review status: criteria provided, single submitter. Criteria: Invitae Variant Classification Sherloc (09022015). Collection method: clinical testing. Allele origin: germline.

GeneDx
Classification: Uncertain significance. Last evaluated: 2024-05-28. Review status: criteria provided, single submitter. Criteria: GeneDx Variant Classification Process June 2021. Collection method: clinical testing. Allele origin: germline. Affected: yes.
Comment: Has been previously reported as p.(E803K) (using alternative nomenclature) in a child with hearing loss (PMID: 32682410); In silico analysis indicates that this missense variant does not alter protein structure/function; This variant is associated with the following publications: (PMID: 32682410)

CeGaT Center for Human Genetics Tuebingen
Classification: Uncertain significance. Last evaluated: 2023-11-01. Review status: criteria provided, single submitter. Criteria: CeGaT Center For Human Genetics Tuebingen Variant Classification Criteria Version 2. Collection method: clinical testing. Allele origin: germline. Affected: yes. Observed: 1 variant allele.
Comment: RIN2: PM2

Ambry Genetics
Classification: Uncertain significance for Inborn genetic diseases. Last evaluated: 2021-07-09. Review status: criteria provided, single submitter. Criteria: Ambry Variant Classification Scheme 2023. Collection method: clinical testing. Allele origin: germline.

PreventionGenetics, part of Exact Sciences
Classification: Likely benign for RIN2-related condition. Last evaluated: 2022-10-19. Review status: no assertion criteria provided. Collection method: clinical testing. Allele origin: germline. Not counted in ClinVar's aggregate classification.
Comment: This variant is classified as likely benign based on ACMG/AMP sequence variant interpretation guidelines (Richards et al. 2015 PMID: 25741868, with internal and published modifications).

NM_018993.4(RIN2):c.2260G>A (p.Glu754Lys)

Gene: RIN2 (Ras and Rab interactor 2; plus strand). Cytogenetic location: 20p11.23.
Variant type: single nucleotide variant.
Coding change: c.2260G>A on transcript NM_018993.4 (MANE Select); coding-DNA position 2260, G replaced by A.
Protein change: p.Glu754Lys; replaces glutamic acid 754 with lysine.
Molecular consequence: missense variant.
Genome position (GRCh38, 1-based): chr20:19,996,738, G>A. VCF-style: chr20-19996738-G-A. GRCh37 (hg19) VCF-style: chr20-19977382-G-A.
Other names: c.2260G>A (NM_018993.3); c.2407G>A, p.Glu803Lys (NM_001242581.2); c.1642G>A, p.Glu548Lys (NM_001378238.1); short protein forms E803K, E754K, E548K.
Identifiers: ClinVar variation 800230 (VCV000800230.36), dbSNP rs375974979, ClinGen allele CA9780257.